The following is an entry in ClinVar:

NM_001001331.4(ATP2B2):c.209G>T (p.Gly70Val)

Gene: ATP2B2 (ATPase plasma membrane Ca2+ transporting 2; minus strand). Cytogenetic location: 3p25.3.
Variant type: single nucleotide variant.
Coding change: c.209G>T on transcript NM_001001331.4 (MANE Select); coding-DNA position 209, G replaced by T.
Protein change: p.Gly70Val; replaces glycine 70 with valine.
Molecular consequence: missense variant.
Genome position (GRCh38, 1-based): chr3:10,410,806, C>A on the plus strand (G>T on the coding strand, the complement: ATP2B2 is on the minus strand). VCF-style: chr3-10410806-C-A. GRCh37 (hg19) VCF-style: chr3-10452490-C-A.
Other names: c.209G>T, p.Gly70Val (NM_001330611.3, NM_001353564.1, NM_001363862.1 and 3 more transcripts); short protein forms G70V.
Identifiers: ClinVar variation 4696929 (VCV004696929.1).
Genomic context (GRCh38, chr3:10,410,806, plus strand): 5'-TTTGGAGGTATAAAGTTTTGCCCAAAAATTTGCTTTCTCTTTTCCAGGTCTGGAGCGGTG[C>A]CCGGCAAACCTGTGGACAGAGAACAGAGAGGTTGGCTGGGGGCCTGGGAGAGATGCAGGC-3'
Protein context (NP_001001331.1, residues 60-80): LKTSPVEGLP[Gly70Val]TAPDLEKRKQ

ClinVar aggregate classification (germline): Uncertain significance (1 of 4 stars; one submission).

Submission:

Labcorp Genetics (formerly Invitae), Labcorp
Classification: Uncertain significance. Last evaluated: 2025-02-15. Review status: criteria provided, single submitter. Criteria: Invitae Variant Classification Sherloc (09022015). Collection method: clinical testing. Allele origin: germline.
Comment: This sequence change replaces glycine, which is neutral and non-polar, with valine, which is neutral and non-polar, at codon 70 of the ATP2B2 protein (p.Gly70Val). This variant is present in population databases (no rsID available, gnomAD 0.003%). This variant has not been reported in the literature in individuals affected with ATP2B2-related conditions. Invitae Evidence Modeling of protein sequence and biophysical properties (such as structural, functional, and spatial information, amino acid conservation, physicochemical variation, residue mobility, and thermodynamic stability) indicates that this missense variant is not expected to disrupt ATP2B2 protein function with a negative predictive value of 80%. In summary, the available evidence is currently insufficient to determine the role of this variant in disease. Therefore, it has been classified as a Variant of Uncertain Significance.